The following is an entry in ClinVar:

ClinVar aggregate classification (germline): Uncertain significance (1 of 4 stars; one submission).

Submission:

Labcorp Genetics (formerly Invitae), Labcorp
Classification: Uncertain significance. Last evaluated: 2023-12-21. Review status: criteria provided, single submitter. Criteria: Invitae Variant Classification Sherloc (09022015). Collection method: clinical testing. Allele origin: germline.
Comment: This sequence change replaces asparagine, which is neutral and polar, with aspartic acid, which is acidic and polar, at codon 871 of the FBN3 protein (p.Asn871Asp). This variant is not present in population databases (gnomAD no frequency). This variant has not been reported in the literature in individuals affected with FBN3-related conditions. Algorithms developed to predict the effect of missense changes on protein structure and function output the following: SIFT: "Not Available"; PolyPhen-2: "Benign"; Align-GVGD: "Not Available". The aspartic acid amino acid residue is found in multiple mammalian species, which suggests that this missense change does not adversely affect protein function. In summary, the available evidence is currently insufficient to determine the role of this variant in disease. Therefore, it has been classified as a Variant of Uncertain Significance.

NM_032447.5(FBN3):c.2611A>G (p.Asn871Asp)

Gene: FBN3 (fibrillin 3; minus strand). Cytogenetic location: 19p13.2.
Variant type: single nucleotide variant.
Coding change: c.2611A>G on transcript NM_032447.5 (MANE Select); coding-DNA position 2611, A replaced by G.
Protein change: p.Asn871Asp; replaces asparagine 871 with aspartic acid.
Molecular consequence: missense variant.
Genome position (GRCh38, 1-based): chr19:8,126,012, T>C on the plus strand (A>G on the coding strand, the complement: FBN3 is on the minus strand). VCF-style: chr19-8126012-T-C. GRCh37 (hg19) VCF-style: chr19-8190896-T-C.
Other names: c.2611A>G, p.Asn871Asp (NM_001321431.2); short protein forms N871D.
Identifiers: ClinVar variation 2836394 (VCV002836394.3), dbSNP rs2512886193, ClinGen allele CA403696853.
Genomic context (GRCh38, chr19:8,126,012, plus strand): 5'-ACCCAGCAGTGTTGACGCAACGCCCGTTGGGACAGACTCCCGGGAAGGACTCACACTCGT[T>C]CACATCTGGGTAAGGAGGAGGGAAAGCCGGAGGGTCCAGGGAGGGGAAGGGTGCTGGCTG-3'
Protein context (NP_115823.3, residues 861-881): RMTGVTCDDV[Asn871Asp]ECESFPGVCP